The following is an entry in ClinVar:

ClinVar aggregate classification (germline): Likely benign. Review status: criteria provided, multiple submitters, no conflicts (2 of 4 stars). 4 submissions from 4 submitters: Likely benign (4). Last evaluated 2026-01-05.

Conditions:
EYS-related disorder. Also called: EYS-related condition.
Inborn genetic diseases. Identifiers: MedGen C0950123, MeSH D030342.

Allele frequency attached by ClinVar (database versions not stated): gnomAD 0.00002; gnomAD exomes 0.00004 and 0.00005; TOPMed 0.00008.
gnomAD v4.1: 61 of 1,541,146 alleles (0.004%); highest among the groups gnomAD compares: South Asian, 0.0061%; no homozygotes.

Submissions (4):

Labcorp Genetics (formerly Invitae), Labcorp
Classification: Likely benign. Last evaluated: 2026-01-05. Review status: criteria provided, single submitter. Criteria: Invitae Variant Classification Sherloc (09022015). Collection method: clinical testing. Allele origin: germline.

PreventionGenetics, part of Exact Sciences
Classification: Likely benign for EYS-related condition. Last evaluated: 2025-06-18. Review status: criteria provided, single submitter. Criteria: ACMG Guidelines, 2015. Collection method: clinical testing. Allele origin: germline.
Comment: This variant is classified as likely benign based on ACMG/AMP sequence variant interpretation guidelines (Richards et al. 2015 PMID: 25741868, with internal and published modifications).

Ambry Genetics
Classification: Likely benign for Inborn genetic diseases. Last evaluated: 2023-12-26. Review status: criteria provided, single submitter. Criteria: Ambry Variant Classification Scheme 2023. Collection method: clinical testing. Allele origin: germline.

Blueprint Genetics
Classification: Likely benign. Last evaluated: 2020-03-16. Review status: criteria provided, single submitter. Criteria: ACMG Guidelines, 2015. Collection method: clinical testing. Allele origin: germline.

NM_001142800.2(EYS):c.5901C>T (p.Asn1967=)

Gene: EYS (EGF-like photoreceptor maintenance factor; minus strand). Cytogenetic location: 6q12.
Variant type: single nucleotide variant.
Coding change: c.5901C>T on transcript NM_001142800.2 (MANE Select); coding-DNA position 5901, C replaced by T.
Protein change: p.Asn1967=; no amino-acid change (asparagine 1967 retained).
Molecular consequence: synonymous variant.
Genome position (GRCh38, 1-based): chr6:64,436,200, G>A on the plus strand (C>T on the coding strand, the complement: EYS is on the minus strand). VCF-style: chr6-64436200-G-A. GRCh37 (hg19) VCF-style: chr6-65146093-G-A.
Other names: c.5901C>T, p.Asn1967= (NM_001292009.2); c.5901C>T (NM_001142800.1).
Identifiers: ClinVar variation 1153253 (VCV001153253.12), dbSNP rs1024722910, ClinGen allele CA140321734.